The following is an entry in ClinVar:

ClinVar aggregate classification (germline): Uncertain significance (1 of 4 stars; one submission).

Conditions:
Hypertrophic cardiomyopathy. Also called: HYPERTROPHIC MYOCARDIOPATHY. Identifiers: Orphanet 217569, MedGen C0007194, MeSH D002312, MONDO:0005045, HP:0001639.

Submission:

Labcorp Genetics (formerly Invitae), Labcorp
Classification: Uncertain significance for Hypertrophic cardiomyopathy. Last evaluated: 2021-10-26. Review status: criteria provided, single submitter. Criteria: Invitae Variant Classification Sherloc (09022015). Collection method: clinical testing. Allele origin: germline.
Comment: In summary, the available evidence is currently insufficient to determine the role of this variant in disease. Therefore, it has been classified as a Variant of Uncertain Significance. This variant is found within a region of MYH7 between codons 181 and 937 that contains the majority of the myosin head domain. Missense variants in this region have been shown to be significantly overrepresented in individuals with hypertrophic cardiomyopathy (PMID: 27532257). Algorithms developed to predict the effect of missense changes on protein structure and function are either unavailable or do not agree on the potential impact of this missense change (SIFT: "Deleterious"; PolyPhen-2: "Possibly Damaging"; Align-GVGD: "Class C0"). This variant has not been reported in the literature in individuals affected with MYH7-related conditions. This variant is not present in population databases (gnomAD no frequency). This sequence change replaces glutamic acid, which is acidic and polar, with alanine, which is neutral and non-polar, at codon 379 of the MYH7 protein (p.Glu379Ala).

Literature cited by the submitters: PubMed 27532257.

NM_000257.4(MYH7):c.1136A>C (p.Glu379Ala)

Gene: MYH7 (myosin heavy chain 7; minus strand). Cytogenetic location: 14q11.2.
Variant type: single nucleotide variant.
Coding change: c.1136A>C on transcript NM_000257.4 (MANE Select); coding-DNA position 1136, A replaced by C.
Protein change: p.Glu379Ala; replaces glutamic acid 379 with alanine.
Molecular consequence: missense variant.
Genome position (GRCh38, 1-based): chr14:23,429,777, T>G on the plus strand (A>C on the coding strand, the complement: MYH7 is on the minus strand). VCF-style: chr14-23429777-T-G. GRCh37 (hg19) VCF-style: chr14-23898986-T-G.
Other names: short protein forms E379A.
Identifiers: ClinVar variation 1489832 (VCV001489832.6), dbSNP rs2138677166, ClinGen allele CA389051282.